The following is an entry in ClinVar:

NM_032638.5(GATA2):c.1348G>A (p.Gly450Arg)

Gene: GATA2 (GATA binding protein 2; minus strand). Cytogenetic location: 3q21.3.
Variant type: single nucleotide variant.
Coding change: c.1348G>A on transcript NM_032638.5 (MANE Select); coding-DNA position 1348, G replaced by A.
Protein change: p.Gly450Arg; replaces glycine 450 with arginine.
Molecular consequence: missense variant.
Genome position (GRCh38, 1-based): chr3:128,481,114, C>T on the plus strand (G>A on the coding strand, the complement: GATA2 is on the minus strand). VCF-style: chr3-128481114-C-T. GRCh37 (hg19) VCF-style: chr3-128199957-C-T.
Other names: c.1348G>A, p.Gly450Arg (NM_001145661.2); c.1306G>A, p.Gly436Arg (NM_001145662.1); short protein forms G450R, G436R.
Identifiers: ClinVar variation 404088 (VCV000404088.18), dbSNP rs370164300, ClinGen allele CA2599793.

ClinVar aggregate classification (germline): Conflicting classifications of pathogenicity. Review status: criteria provided, conflicting classifications (1 of 4 stars). 7 submissions from 7 submitters: Uncertain significance (5); Benign (1); Likely benign (1). Last evaluated 2026-03-10.

Conditions:
Inborn genetic diseases. Identifiers: MedGen C0950123, MeSH D030342.
Hereditary cancer. Identifiers: MedGen C1333600.
Deafness-lymphedema-leukemia syndrome. Also called: Emberger syndrome; Lymphedema, primary, with myelodysplasia. Identifiers: Orphanet 3226, MedGen C3279664, MONDO:0013540, OMIM 614038.
Monocytopenia with susceptibility to infections. Also called: MONOCYTOPENIA AND MYCOBACTERIAL INFECTION SYNDROME; MONOCYTOPENIA WITH SUSCEPTIBILITY TO MYCOBACTERIAL, FUNGAL, AND PAPILLOMAVIRUS INFECTIONS AND MYELODYSPLASIA; COMBINED IMMUNODEFICIENCY WITH SUSCEPTIBILITY TO MYCOBACTERIAL, VIRAL, AND FUNGAL INFECTIONS; Dendritic cell, monocyte, B lymphocyte, and natural killer lymphocyte deficiency; IMMUNODEFICIENCY 21; GATA2 DEFICIENCY. Identifiers: Orphanet 228423, MedGen C3280030, MONDO:0013607, OMIM 614172.
Myelodysplastic syndrome (MDS). Also called: MYELODYSPLASTIC SYNDROME, SUSCEPTIBILITY TO; Myelodysplastic syndrome, somatic; Myelodysplastic syndromes. Identifiers: Orphanet 52688, MedGen C3463824, MeSH D009190, MONDO:0018881, OMIM 614286.
Acute myeloid leukemia (AML). Also called: Leukemia, acute myeloid, somatic; Leukemia, acute myelogenous, somatic; Acute myeloid leukemia, adult; AML adult; Acute non-lymphocytic leukemia; Acute granulocytic leukemia. Identifiers: Orphanet 519, MedGen C0023467, MeSH D015470, MONDO:0018874, OMIM 601626, HP:0004808. Disease mechanism: Constitutively activated FLT3.

Allele frequency attached by ClinVar (database versions not stated): gnomAD 0.00001 and 0.00003; TOPMed 0.00001; gnomAD exomes 0.00003 and 0.00004; ExAC 0.00007; ESP Exome Variant Server 0.00015; 1000 Genomes Project 0.00020; 1000 Genomes Project 30x 0.00031.

Submissions (7):

Women's Health and Genetics/Laboratory Corporation of America, LabCorp
Classification: Uncertain significance. Last evaluated: 2026-03-10. Review status: criteria provided, single submitter. Criteria: LabCorp Variant Classification Summary - May 2015. Collection method: clinical testing. Allele origin: germline.
Comment: Variant summary: GATA2 c.1348G>A (p.Gly450Arg) results in a non-conservative amino acid change in the encoded protein sequence. Algorithms developed to predict the effect of missense changes on protein structure and function all suggest that this variant is likely to be disruptive. The variant allele was found at a frequency of 4.4e-05 in 250876 control chromosomes. This frequency is not significantly higher than estimated for disease-causing variants in GATA2, allowing no conclusion about variant significance. To our knowledge, no occurrence of c.1348G>A in individuals affected with GATA2-related conditions and no experimental evidence demonstrating its impact on protein function have been reported. ClinVar contains an entry for this variant (Variation ID: 404088). Based on the evidence outlined above, the variant was classified as uncertain significance.

Labcorp Genetics (formerly Invitae), Labcorp
Classification: Uncertain significance for Monocytopenia with susceptibility to infections; Deafness-lymphedema-leukemia syndrome. Last evaluated: 2025-09-16. Review status: criteria provided, single submitter. Criteria: Invitae Variant Classification Sherloc (09022015). Collection method: clinical testing. Allele origin: germline.
Comment: This sequence change replaces glycine, which is neutral and non-polar, with arginine, which is basic and polar, at codon 450 of the GATA2 protein (p.Gly450Arg). This variant is present in population databases (rs370164300, gnomAD 0.03%). This variant has not been reported in the literature in individuals affected with GATA2-related conditions. ClinVar contains an entry for this variant (Variation ID: 404088). Invitae Evidence Modeling of protein sequence and biophysical properties (such as structural, functional, and spatial information, amino acid conservation, physicochemical variation, residue mobility, and thermodynamic stability) indicates that this missense variant is expected to disrupt GATA2 protein function with a positive predictive value of 80%. In summary, the available evidence is currently insufficient to determine the role of this variant in disease. Therefore, it has been classified as a Variant of Uncertain Significance.

Mendelics
Classification: Likely benign for Hereditary cancer. Last evaluated: 2025-06-23. Review status: criteria provided, single submitter. Criteria: ACMG Guidelines, 2015. Collection method: clinical testing. Allele origin: unknown.
Comment: This variant is considered likely benign or benign based on one or more of the following: it is predicted to be benign by multiple in silico algorithms, and/or has population frequency not consistent with disease, and/or has normal protein function, and/or has lack of segregation with disease, and/or has been detected in co-occurrence with known pathogenic variant, and/or has lack of disease association in case-control studies, and/or is located in a region inconsistent with a known cause of pathogenicity.

Ambry Genetics
Classification: Benign for Inborn genetic diseases. Last evaluated: 2024-10-29. Review status: criteria provided, single submitter. Criteria: Ambry Variant Classification Scheme 2023. Collection method: clinical testing. Allele origin: germline.

GeneDx
Classification: Uncertain significance. Last evaluated: 2024-05-17. Review status: criteria provided, single submitter. Criteria: GeneDx Variant Classification Process June 2021. Collection method: clinical testing. Allele origin: germline. Affected: yes.
Comment: In silico analysis supports that this missense variant has a deleterious effect on protein structure/function; Has not been previously published as pathogenic or benign to our knowledge

Baylor Genetics
Classification: Uncertain significance for Acute myeloid leukemia. Last evaluated: 2023-09-13. Review status: criteria provided, single submitter. Criteria: ACMG Guidelines, 2015. Collection method: clinical testing. Allele origin: unknown.

Fulgent Genetics
Classification: Uncertain significance for Acute myeloid leukemia; Deafness-lymphedema-leukemia syndrome; Monocytopenia with susceptibility to infections; Myelodysplastic syndrome. Last evaluated: 2018-10-31. Review status: criteria provided, single submitter. Criteria: ACMG Guidelines, 2015. Collection method: clinical testing. Allele origin: unknown.

Literature cited by the submitters: PubMed 25241285 (cited by Women's Health and Genetics/Laboratory Corporation of America, LabCorp); PubMed 22814295 (cited by Women's Health and Genetics/Laboratory Corporation of America, LabCorp); PubMed 22649106 (cited by Women's Health and Genetics/Laboratory Corporation of America, LabCorp); PubMed 21892162 (cited by Women's Health and Genetics/Laboratory Corporation of America, LabCorp); PubMed 26660446 (cited by Women's Health and Genetics/Laboratory Corporation of America, LabCorp); PubMed 26124496 (cited by Women's Health and Genetics/Laboratory Corporation of America, LabCorp); PubMed 26022708 (cited by Women's Health and Genetics/Laboratory Corporation of America, LabCorp); PubMed 28654364 (cited by Women's Health and Genetics/Laboratory Corporation of America, LabCorp); PubMed 27276561 (cited by Women's Health and Genetics/Laboratory Corporation of America, LabCorp); PubMed 30190467 (cited by Women's Health and Genetics/Laboratory Corporation of America, LabCorp); PubMed 27069254 (cited by Women's Health and Genetics/Laboratory Corporation of America, LabCorp).